The following is an entry in ClinVar:

ClinVar aggregate classification (germline): Benign/Likely benign. Review status: criteria provided, multiple submitters, no conflicts (2 of 4 stars). 4 submissions from 4 submitters: Benign (1); Likely benign (3). Last evaluated 2024-05-03.

Conditions:
Emery-Dreifuss muscular dystrophy 5, autosomal dominant (EDMD5). Also called: EMERY-DREIFUSS MUSCULAR DYSTROPHY 5. Identifiers: Orphanet 261, MedGen C2751805, MONDO:0013072, OMIM 612999.

Allele frequency attached by ClinVar (database versions not stated): gnomAD 0.00004; TOPMed 0.00004; ExAC 0.00008; gnomAD exomes 0.00011 and 0.00015; ESP Exome Variant Server 0.00015.
gnomAD v4.1: 227 of 1,589,530 alleles (0.014%); highest among the groups gnomAD compares: Admixed American, 0.025%; no homozygotes.

Submissions (4):

Blueprint Genetics
Classification: Likely benign. Last evaluated: 2024-05-03. Review status: criteria provided, single submitter. Criteria: ACMG Guidelines, 2015. Collection method: clinical testing. Allele origin: germline.

Labcorp Genetics (formerly Invitae), Labcorp
Classification: Likely benign for Emery-Dreifuss muscular dystrophy 5, autosomal dominant. Last evaluated: 2023-03-26. Review status: criteria provided, single submitter. Criteria: Invitae Variant Classification Sherloc (09022015). Collection method: clinical testing. Allele origin: germline.

Fulgent Genetics
Classification: Likely benign for Emery-Dreifuss muscular dystrophy 5, autosomal dominant. Last evaluated: 2021-08-27. Review status: criteria provided, single submitter. Criteria: ACMG Guidelines, 2015. Collection method: clinical testing. Allele origin: unknown.

Illumina Laboratory Services, Illumina
Classification: Benign for Emery-Dreifuss muscular dystrophy 5, autosomal dominant. Last evaluated: 2018-01-13. Review status: criteria provided, single submitter. Criteria: ICSL Variant Classification Criteria 13 December 2019. Collection method: clinical testing. Allele origin: germline.
Comment: This variant was observed in the ICSL laboratory as part of a predisposition screen in an ostensibly healthy population. It had not been previously curated by ICSL or reported in the Human Gene Mutation Database (HGMD: prior to June 1st, 2018), and was therefore a candidate for classification through an automated scoring system. Utilizing variant allele frequency, disease prevalence and penetrance estimates, and inheritance mode, an automated score was calculated to assess if this variant is too frequent to cause the disease. Based on the score and internal cut-off values, a variant classified as benign is not then subjected to further curation. The score for this variant resulted in a classification of benign for this disease.

NM_182914.3(SYNE2):c.12492+12C>T

Gene: SYNE2 (spectrin repeat containing nuclear envelope protein 2; plus strand). Cytogenetic location: 14q23.2.
Variant type: single nucleotide variant.
Coding change: c.12492+12C>T on transcript NM_182914.3 (MANE Select); 12 bases into the intron after coding-DNA position 12492, C replaced by T.
Molecular consequence: intron variant.
Genome position (GRCh38, 1-based): chr14:64,102,054, C>T. VCF-style: chr14-64102054-C-T. GRCh37 (hg19) VCF-style: chr14-64568772-C-T.
Other names: c.12492+12C>T (NM_015180.6).
Identifiers: ClinVar variation 313573 (VCV000313573.14), dbSNP rs368374335, ClinGen allele CA7222158.
Genomic context (GRCh38, chr14:64,102,054, plus strand): 5'-GGACATGGAAGAAGACAGAGCTTCCTCATCCTCTGGAACAATTGTTCAGGTAATGCTGGG[C>T]GTATCAGCCACGCTTAGGGGTTACGAGGGCCCAGGGGGGAGCAGGGATCTCTTTCTGCAC-3'